The following is an entry in ClinVar:

NM_001018115.3(FANCD2):c.2959A>G (p.Arg987Gly)

Genes: FANCD2 (FA complementation group D2; plus strand), LOC107303338 (3p25 FANCD2 Alu-mediated recombination region; plus strand). Cytogenetic location: 3p25.3.
Variant type: single nucleotide variant.
Coding change: c.2959A>G on transcript NM_001018115.3 (MANE Select); coding-DNA position 2959, A replaced by G.
Protein change: p.Arg987Gly; replaces arginine 987 with glycine.
Molecular consequence: missense variant.
Genome position (GRCh38, 1-based): chr3:10,078,180, A>G. VCF-style: chr3-10078180-A-G. GRCh37 (hg19) VCF-style: chr3-10119864-A-G.
Other names: c.2959A>G, p.Arg987Gly (NM_001319984.2, NM_001374254.1, NM_033084.6); c.2848A>G, p.Arg950Gly (NM_001374253.1); short protein forms R950G, R987G.
Identifiers: ClinVar variation 1929194 (VCV001929194.5), dbSNP rs2470005517, ClinGen allele CA351746388.

ClinVar aggregate classification (germline): Uncertain significance (1 of 4 stars; one submission).

Conditions:
Fanconi anemia (FA). Also called: Fanconi's anemia. Identifiers: Orphanet 84, MedGen C0015625, MeSH D005199, MONDO:0019391.

Submission:

Labcorp Genetics (formerly Invitae), Labcorp
Classification: Uncertain significance for Fanconi anemia. Last evaluated: 2022-10-25. Review status: criteria provided, single submitter. Criteria: Invitae Variant Classification Sherloc (09022015). Collection method: clinical testing. Allele origin: germline.
Comment: In summary, the available evidence is currently insufficient to determine the role of this variant in disease. Therefore, it has been classified as a Variant of Uncertain Significance. Advanced modeling of protein sequence and biophysical properties (such as structural, functional, and spatial information, amino acid conservation, physicochemical variation, residue mobility, and thermodynamic stability) performed at Invitae indicates that this missense variant is expected to disrupt FANCD2 protein function. This variant has not been reported in the literature in individuals affected with FANCD2-related conditions. This variant is not present in population databases (gnomAD no frequency). This sequence change replaces arginine, which is basic and polar, with glycine, which is neutral and non-polar, at codon 987 of the FANCD2 protein (p.Arg987Gly).